The following is an entry in ClinVar:

NM_201596.3(CACNB2):c.1952A>T (p.Glu651Val)

Gene: CACNB2 (calcium voltage-gated channel auxiliary subunit beta 2; plus strand). Cytogenetic location: 10p12.31.
Variant type: single nucleotide variant.
Coding change: c.1952A>T on transcript NM_201596.3 (MANE Select); coding-DNA position 1952, A replaced by T.
Protein change: p.Glu651Val; replaces glutamic acid 651 with valine.
Molecular consequence: missense variant.
Genome position (GRCh38, 1-based): chr10:18,539,693, A>T. VCF-style: chr10-18539693-A-T. GRCh37 (hg19) VCF-style: chr10-18828622-A-T.
Other names: c.1787A>T, p.Glu596Val (NM_000724.4); c.1754A>T, p.Glu585Val (NM_001167945.2); c.1673A>T, p.Glu558Val (NM_001330060.2); c.1694A>T, p.Glu565Val (NM_001410882.1); c.1808A>T, p.Glu603Val (NM_201570.3); c.1868A>T, p.Glu623Val (NM_201571.4); c.1796A>T, p.Glu599Val (NM_201572.4); c.1790A>T, p.Glu597Val (NM_201590.3); and 2 more; short protein forms E585V, E565V, E558V, E596V, E603V, E613V, E627V, E597V.
Identifiers: ClinVar variation 4731095 (VCV004731095.1).

ClinVar aggregate classification (germline): Uncertain significance (1 of 4 stars; one submission).

Conditions:
Brugada syndrome 4 (BRGDA4). Identifiers: Orphanet 130, MedGen C2678477, MONDO:0012743, OMIM 611876.

Submission:

Labcorp Genetics (formerly Invitae), Labcorp
Classification: Uncertain significance for Brugada syndrome 4. Last evaluated: 2025-11-12. Review status: criteria provided, single submitter. Criteria: Invitae Variant Classification Sherloc (09022015). Collection method: clinical testing. Allele origin: germline.
Comment: This sequence change replaces glutamic acid, which is acidic and polar, with valine, which is neutral and non-polar, at codon 597 of the CACNB2 protein (p.Glu597Val). This variant is not present in population databases (gnomAD no frequency). This variant has not been reported in the literature in individuals affected with CACNB2-related conditions. An algorithm developed to predict the effect of missense changes on protein structure and function (PolyPhen-2) suggests that this variant is likely to be tolerated. In summary, the available evidence is currently insufficient to determine the role of this variant in disease. Therefore, it has been classified as a Variant of Uncertain Significance.